The following is an entry in ClinVar:

NM_031935.3(HMCN1):c.3482A>G (p.Gln1161Arg)

Gene: HMCN1 (hemicentin 1; plus strand). Cytogenetic location: 1q31.1.
Variant type: single nucleotide variant.
Coding change: c.3482A>G on transcript NM_031935.3 (MANE Select); coding-DNA position 3482, A replaced by G.
Protein change: p.Gln1161Arg; replaces glutamine 1161 with arginine.
Molecular consequence: missense variant.
Genome position (GRCh38, 1-based): chr1:185,993,286, A>G. VCF-style: chr1-185993286-A-G. GRCh37 (hg19) VCF-style: chr1-185962418-A-G.
Other names: short protein forms Q1161R.
Identifiers: ClinVar variation 2187495 (VCV002187495.4), dbSNP rs1449915387, ClinGen allele CA343870179.

ClinVar aggregate classification (germline): Uncertain significance (1 of 4 stars; one submission).

Allele frequency attached by ClinVar (database versions not stated): gnomAD exomes below 0.00001; gnomAD 0.00001; TOPMed 0.00001.
gnomAD v4.1: 8 of 1,612,894 alleles (0.0005%); highest among the groups gnomAD compares: Admixed American, 0.0033%; no homozygotes.

Submission:

Labcorp Genetics (formerly Invitae), Labcorp
Classification: Uncertain significance. Last evaluated: 2025-04-07. Review status: criteria provided, single submitter. Criteria: Invitae Variant Classification Sherloc (09022015). Collection method: clinical testing. Allele origin: germline.
Comment: This sequence change replaces glutamine, which is neutral and polar, with arginine, which is basic and polar, at codon 1161 of the HMCN1 protein (p.Gln1161Arg). This variant is present in population databases (no rsID available, gnomAD 0.006%). This variant has not been reported in the literature in individuals affected with HMCN1-related conditions. ClinVar contains an entry for this variant (Variation ID: 2187495). An algorithm developed to predict the effect of missense changes on protein structure and function (PolyPhen-2) suggests that this variant is likely to be disruptive. In summary, the available evidence is currently insufficient to determine the role of this variant in disease. Therefore, it has been classified as a Variant of Uncertain Significance.